The following is an entry in ClinVar:

ClinVar aggregate classification (germline): Uncertain significance. Review status: criteria provided, multiple submitters, no conflicts (2 of 4 stars). 3 submissions from 3 submitters: Uncertain significance (3). Last evaluated 2026-09-12.

Conditions:
Inborn genetic diseases. Identifiers: MedGen C0950123, MeSH D030342.
TRRAP-related disorder. Also called: TRRAP-related condition.

Allele frequency attached by ClinVar (database versions not stated): TOPMed below 0.00001; gnomAD exomes 0.00002.
gnomAD v4.1: 31 of 1,614,240 alleles (0.0019%); highest among the groups gnomAD compares: Non-Finnish European, 0.0025%; no homozygotes.

Submissions (3):

PreventionGenetics, part of Exact Sciences
Classification: Uncertain significance for TRRAP-related condition. Last evaluated: 2026-09-12. Review status: criteria provided, single submitter. Criteria: ACMG Guidelines, 2015. Collection method: clinical testing. Allele origin: germline.
Comment: The TRRAP c.7741C>G variant is predicted to result in the amino acid substitution p.Leu2581Val. To our knowledge, this variant has not been reported in the literature. This variant is reported in 0.00088% of alleles in individuals of European (Non-Finnish) descent in gnomAD. At this time, the clinical significance of this variant is uncertain due to the absence of conclusive functional and genetic evidence.

Labcorp Genetics (formerly Invitae), Labcorp
Classification: Uncertain significance. Last evaluated: 2024-11-03. Review status: criteria provided, single submitter. Criteria: Invitae Variant Classification Sherloc (09022015). Collection method: clinical testing. Allele origin: germline.
Comment: This sequence change replaces leucine, which is neutral and non-polar, with valine, which is neutral and non-polar, at codon 2581 of the TRRAP protein (p.Leu2581Val). This variant is not present in population databases (gnomAD no frequency). This variant has not been reported in the literature in individuals affected with TRRAP-related conditions. ClinVar contains an entry for this variant (Variation ID: 3183533). Invitae Evidence Modeling of protein sequence and biophysical properties (such as structural, functional, and spatial information, amino acid conservation, physicochemical variation, residue mobility, and thermodynamic stability) indicates that this missense variant is not expected to disrupt TRRAP protein function with a negative predictive value of 80%. In summary, the available evidence is currently insufficient to determine the role of this variant in disease. Therefore, it has been classified as a Variant of Uncertain Significance.

Ambry Genetics
Classification: Uncertain significance for Inborn genetic diseases. Last evaluated: 2023-10-16. Review status: criteria provided, single submitter. Criteria: Ambry Variant Classification Scheme 2023. Collection method: clinical testing. Allele origin: germline.

NM_001375524.1(TRRAP):c.7816C>G (p.Leu2606Val)

Gene: TRRAP (transformation/transcription domain associated protein; plus strand). Cytogenetic location: 7q22.1.
Variant type: single nucleotide variant.
Coding change: c.7816C>G on transcript NM_001375524.1 (MANE Select); coding-DNA position 7816, C replaced by G.
Protein change: p.Leu2606Val; replaces leucine 2606 with valine.
Molecular consequence: missense variant.
Genome position (GRCh38, 1-based): chr7:98,971,922, C>G. VCF-style: chr7-98971922-C-G. GRCh37 (hg19) VCF-style: chr7-98569545-C-G.
Other names: c.7795C>G, p.Leu2599Val (NM_001244580.2); c.7741C>G, p.Leu2581Val (NM_003496.4); c.7741C>G (NM_003496.3); short protein forms L2599V, L2606V, L2581V.
Identifiers: ClinVar variation 3183533 (VCV003183533.4), dbSNP rs1454812910, ClinGen allele CA368298433.